The following is an entry in ClinVar:

ClinVar aggregate classification (germline): Conflicting classifications of pathogenicity. Review status: criteria provided, conflicting classifications (1 of 4 stars). 4 submissions from 4 submitters: Uncertain significance (2); Likely benign (2). Last evaluated 2025-09-18.

Conditions:
Carney-Stratakis syndrome. Also called: PARAGANGLIOMA AND GASTROINTESTINAL STROMAL TUMOR. Identifiers: Orphanet 97286, MedGen C1847319, MONDO:0011740, OMIM 606864.
Paragangliomas with sensorineural hearing loss. Identifiers: MedGen C1868633.
Cowden syndrome 3 (CWS3). Identifiers: Orphanet 201, MedGen CN166604, MONDO:0014045.
Pheochromocytoma. Also called: MAX-Related Hereditary Paraganglioma-Pheochromocytoma Syndrome. Identifiers: Orphanet 29072, MedGen C0031511, MONDO:0008233, OMIM 171300, HP:0002666.
Hereditary pheochromocytoma and paraganglioma. Also called: Hereditary Paraganglioma-Pheochromocytoma Syndromes; Hereditary paragangliomas and pheochromocytomas; Hereditary pheochromocytoma-paraganglioma. Identifiers: Orphanet 29072, MedGen C4274332, MONDO:0017366.
Pheochromocytoma/paraganglioma syndrome 1. Also called: PARAGANGLIOMATA; Paragangliomas 1; Glomus tumors familial 1; PARAGANGLIOMAS, FAMILIAL NONCHROMAFFIN, 1; PGL 1; Paragangliomas familial 1. Identifiers: Orphanet 29072, MedGen C3494181, MONDO:0008192, OMIM 168000.
Hereditary cancer-predisposing syndrome. Also called: Neoplastic Syndromes, Hereditary; Hereditary Cancer Syndrome; Tumor predisposition; Hereditary neoplastic syndrome. Identifiers: Orphanet 140162, MedGen C0027672, MeSH D009386, MONDO:0015356.

Submissions (4):

Color Diagnostics, LLC DBA Color Health
Classification: Likely benign for Hereditary pheochromocytoma and paraganglioma. Last evaluated: 2025-09-18. Review status: criteria provided, single submitter. Criteria: ACMG Guidelines, 2015. Collection method: clinical testing. Allele origin: germline.

Ambry Genetics
Classification: Uncertain significance for Hereditary cancer-predisposing syndrome. Last evaluated: 2025-07-23. Review status: criteria provided, single submitter. Criteria: Ambry Variant Classification Scheme 2023. Collection method: clinical testing. Allele origin: germline.
Comment: The c.315-3T>C intronic variant results from a T to C substitution 3 nucleotides upstream from coding exon 4 in the SDHD gene. This nucleotide position is not well conserved in available vertebrate species. In silico splice site analysis predicts that this alteration will not have any significant effect on splicing. Based on the available evidence, the clinical significance of this variant remains unclear.

Labcorp Genetics (formerly Invitae), Labcorp
Classification: Uncertain significance for Carney-Stratakis syndrome; Paragangliomas with sensorineural hearing loss; Pheochromocytoma; Cowden syndrome 3. Last evaluated: 2025-07-03. Review status: criteria provided, single submitter. Criteria: Invitae Variant Classification Sherloc (09022015). Collection method: clinical testing. Allele origin: germline.
Comment: This sequence change falls in intron 3 of the SDHD gene. It does not directly change the encoded amino acid sequence of the SDHD protein. It affects a nucleotide within the consensus splice site. This variant is not present in population databases (gnomAD no frequency). This variant has not been reported in the literature in individuals affected with SDHD-related conditions. ClinVar contains an entry for this variant (Variation ID: 533786). Variants that disrupt the consensus splice site are a relatively common cause of aberrant splicing (PMID: 17576681, 9536098). Algorithms developed to predict the effect of sequence changes on RNA splicing suggest that this variant is not likely to affect RNA splicing. In summary, the available evidence is currently insufficient to determine the role of this variant in disease. Therefore, it has been classified as a Variant of Uncertain Significance.

Myriad Genetics, Inc.
Classification: Likely benign for Pheochromocytoma/paraganglioma syndrome 1. Last evaluated: 2025-03-17. Review status: criteria provided, single submitter. Criteria: Myriad Autosomal Dominant, Autosomal Recessive and X-Linked Classification Criteria (2023). Collection method: clinical testing. Allele origin: unknown.
Comment: This variant is considered likely benign. This variant is intronic and is not expected to impact mRNA splicing.

Literature cited by the submitters: PubMed 17576681 (cited by Labcorp Genetics (formerly Invitae), Labcorp); PubMed 9536098 (cited by Labcorp Genetics (formerly Invitae), Labcorp).

NM_003002.4(SDHD):c.315-3T>C

Gene: SDHD (succinate dehydrogenase complex subunit D; plus strand). Cytogenetic location: 11q23.1.
Variant type: single nucleotide variant.
Coding change: c.315-3T>C on transcript NM_003002.4 (MANE Select); 3 bases into the intron before coding-DNA position 315, T replaced by C.
Molecular consequence: intron variant.
Genome position (GRCh38, 1-based): chr11:112,094,802, T>C. VCF-style: chr11-112094802-T-C. GRCh37 (hg19) VCF-style: chr11-111965526-T-C.
Other names: c.13-3T>C (NM_001276506.2); c.170-3T>C (NM_001276503.2); c.198-3T>C (NM_001276504.2); c.315-3T>C (NM_003002.2).
Identifiers: ClinVar variation 533786 (VCV000533786.17), dbSNP rs1555187565, ClinGen allele CA658797782.